The following is an entry in ClinVar:

NC_000014.8:g.(?_50732056)_(50732227_?)del

Gene: L2HGDH (L-2-hydroxyglutarate dehydrogenase; minus strand). Cytogenetic location: 14q21.3.
Variant type: Deletion.
Identifiers: ClinVar variation 3243998 (VCV003243998.1).

ClinVar aggregate classification (germline): Pathogenic (1 of 4 stars; one submission).

Conditions:
L-2-hydroxyglutaric aciduria (L2HGA). Identifiers: Orphanet 79314, MedGen C1855995, MONDO:0009370, OMIM 236792, HP:0040144.

Submission:

Labcorp Genetics (formerly Invitae), Labcorp
Classification: Pathogenic for L-2-hydroxyglutaric aciduria. Last evaluated: 2023-05-10. Review status: criteria provided, single submitter. Criteria: Invitae Variant Classification Sherloc (09022015). Collection method: clinical testing. Allele origin: unknown.
Comment: For these reasons, this variant has been classified as Pathogenic. A similar copy number variant has been observed in individuals with L-2-hydroxyglutaric aciduria (PMID: 15548604, 33083013). It has also been observed to segregate with disease in related individuals. This variant is a gross deletion of the genomic region encompassing exon(s) 9 of the L2HGDH gene. This variant would be expected to be in-frame, preserving the integrity of the reading frame.

Literature cited by the submitters: PubMed 15548604; PubMed 33083013.